The following is an entry in ClinVar:

ClinVar aggregate classification (germline): Likely pathogenic (1 of 4 stars; one submission).

Conditions:
Gastrointestinal stromal tumor. Also called: Gastrointestinal stromal tumor, somatic; Gastrointestinal stroma tumor. Identifiers: Orphanet 44890, MedGen C0238198, MeSH D046152, MONDO:0011719, OMIM 606764, HP:0100723.
Pheochromocytoma/paraganglioma syndrome 3. Also called: GLOMUS TUMORS, FAMILIAL, 3; Paragangliomas 3; SDHC-Related Hereditary Paraganglioma-Pheochromocytoma Syndrome (Paragangliomas 3); SDHC-Related Hereditary Paraganglioma-Pheochromocytoma Syndrome. Identifiers: Orphanet 29072, MedGen C1854336, MONDO:0011544, OMIM 605373.

Submission:

Labcorp Genetics (formerly Invitae), Labcorp
Classification: Likely pathogenic for Pheochromocytoma/paraganglioma syndrome 3; Gastrointestinal stromal tumor. Last evaluated: 2023-06-24. Review status: criteria provided, single submitter. Criteria: Invitae Variant Classification Sherloc (09022015). Collection method: clinical testing. Allele origin: germline.
Comment: This variant is not present in population databases (gnomAD no frequency). In summary, the currently available evidence indicates that the variant is pathogenic, but additional data are needed to prove that conclusively. Therefore, this variant has been classified as Likely Pathogenic. Algorithms developed to predict the effect of sequence changes on RNA splicing suggest that this variant may disrupt the consensus splice site. This variant has not been reported in the literature in individuals affected with SDHC-related conditions. This sequence change affects a donor splice site in intron 1 of the SDHC gene. It is expected to disrupt RNA splicing. Variants that disrupt the donor or acceptor splice site typically lead to a loss of protein function (PMID: 16199547), and loss-of-function variants in SDHC are known to be pathogenic (PMID: 17667967, 19454582, 23282968, 24758179).

Literature cited by the submitters: PubMed 16199547; PubMed 17667967; PubMed 19454582; PubMed 23282968; PubMed 24758179.

NM_003001.5(SDHC):c.20+1G>A

Gene: SDHC (succinate dehydrogenase complex subunit C; plus strand). Cytogenetic location: 1q23.3.
Variant type: single nucleotide variant.
Coding change: c.20+1G>A on transcript NM_003001.5 (MANE Select); the canonical splice donor site of the intron after coding-DNA position 20, G replaced by A.
Molecular consequence: splice donor variant. On other transcripts: 5 prime UTR variant (1).
Genome position (GRCh38, 1-based): chr1:161,314,426, G>A. VCF-style: chr1-161314426-G-A. GRCh37 (hg19) VCF-style: chr1-161284216-G-A.
Other names: c.-540G>A (NM_001407119.1); c.-210+1G>A (NM_001407120.1); c.20+1G>A (NM_001407115.1, NM_001035511.3, NM_001035512.3 and 6 more transcripts).
Identifiers: ClinVar variation 2949153 (VCV002949153.3), dbSNP rs1249046874, ClinGen allele CA343355031.